The following is an entry in ClinVar:

Conditions:
Breast-ovarian cancer, familial, susceptibility to, 1 (BROVCA1). Also called: BRCA1 Hereditary Breast and Ovarian Cancer; OVARIAN CANCER, SUSCEPTIBILITY TO. Identifiers: Orphanet 145, MedGen C2676676, MONDO:0011450, OMIM 604370. Disease mechanism: loss of function.

Submission:

Brotman Baty Institute, University of Washington
No classification provided (evidence only). Condition: Breast-ovarian cancer, familial 1. Review status: no classification provided. Collection method: in vitro. Allele origin: not applicable. Functional consequence: functionally_normal.
ClinVar note: "not provided" was previously submitted as the classification for the variant. However, the classification appeared to be based only on an observation of functional data so it was converted to no classification on 2025-07-30.

NM_007294.4(BRCA1):c.152T>A (p.Leu51His)

Gene: BRCA1 (BRCA1 DNA repair associated; minus strand). Cytogenetic location: 17q21.31.
Variant type: single nucleotide variant.
Coding change: c.152T>A on transcript NM_007294.4 (MANE Select); coding-DNA position 152, T replaced by A.
Protein change: p.Leu51His; replaces leucine 51 with histidine.
Molecular consequence: missense variant. On other transcripts: non-coding transcript variant (1).
Genome position (GRCh38, 1-based): chr17:43,106,516, A>T on the plus strand (T>A on the coding strand, the complement: BRCA1 is on the minus strand). VCF-style: chr17-43106516-A-T. GRCh37 (hg19) VCF-style: chr17-41258533-A-T.
Other names: c.-37T>A (NM_001407571.1, NM_001407853.1, NM_001407879.1 and 58 more transcripts); c.152T>A, p.Leu51His (NM_001407581.1, NM_001407582.1, NM_001407583.1 and 168 more transcripts); c.11T>A, p.Leu4His (NM_001407692.1, NM_001407694.1, NM_001407695.1 and 99 more transcripts); short protein forms L4H, L51H.
Identifiers: ClinVar variation 865204 (VCV000865204.3), dbSNP rs1555597285, ClinGen allele CA10601851.